The following is an entry in ClinVar:

ClinVar aggregate classification (germline): Benign/Likely benign. Review status: criteria provided, multiple submitters, no conflicts (2 of 4 stars). 5 submissions from 5 submitters: Benign (3); Likely benign (1). 1 of the submissions does not count toward it. Last evaluated 2021-08-16.

Conditions:
Renal tubular dysgenesis. Also called: Renotubular dysgenesis. Identifiers: Orphanet 3033, MedGen C0266313, MONDO:0017609, HP:0008660.
Essential hypertension, genetic (EHT). Identifiers: MedGen CN305331, MONDO:0007781, OMIM 145500.
Renal tubular dysgenesis of genetic origin. Also called: PRIMITIVE RENAL TUBULE SYNDROME. Identifiers: Orphanet 97369, MedGen C5681536, MONDO:0009970, OMIM 267430.
Hypertension, essential, susceptibility to.

Allele frequency attached by ClinVar (database versions not stated): gnomAD exomes 0.22748 and 0.27053; ESP Exome Variant Server 0.22149; gnomAD 0.20413 and 0.20976; TOPMed 0.21171; 1000 Genomes Project 0.11781; 1000 Genomes Project 30x 0.11914; ExAC 0.22291.
gnomAD v4.1: 405,027 of 1,538,798 alleles (26%); highest among the groups gnomAD compares: Non-Finnish European, 30%; 58,749 homozygotes.

Submissions (5):

Fulgent Genetics
Classification: Likely benign for Essential hypertension, genetic; Renal tubular dysgenesis of genetic origin. Last evaluated: 2021-08-16. Review status: criteria provided, single submitter. Criteria: ACMG Guidelines, 2015. Collection method: clinical testing. Allele origin: unknown.

GeneDx
Classification: Benign. Last evaluated: 2021-06-18. Review status: criteria provided, single submitter. Criteria: GeneDx Variant Classification Process June 2021. Collection method: clinical testing. Allele origin: germline. Affected: yes.
Comment: This variant is associated with the following publications: (PMID: 17668390, 22237156, 21638051, 20525211, 19021695, 22475523, 18985387, 20703234, 19236533, 19620885, 21799445, 17588946, 21771600, 20026870, 21436209, 22392878, 20594303, 20361261, 21657802, 25603901, 22664914, 8021009, 23615648, 30920415, 27016615, 26283679)

Illumina Laboratory Services, Illumina
Classification: Benign for Renal tubular dysgenesis of genetic origin. Last evaluated: 2018-03-06. Review status: criteria provided, single submitter. Criteria: ICSL Variant Classification Criteria 13 December 2019. Collection method: clinical testing. Allele origin: germline.
Comment: This variant was observed in the ICSL laboratory as part of a predisposition screen in an ostensibly healthy population. It had not been previously curated by ICSL or reported in the Human Gene Mutation Database (HGMD: prior to June 1st, 2018), and was therefore a candidate for classification through an automated scoring system. Utilizing variant allele frequency, disease prevalence and penetrance estimates, and inheritance mode, an automated score was calculated to assess if this variant is too frequent to cause the disease. Based on the score and internal cut-off values, a variant classified as benign is not then subjected to further curation. The score for this variant resulted in a classification of benign for this disease.

Breakthrough Genomics
Classification: Benign. Review status: criteria provided, single submitter. Criteria: ACMG Guidelines, 2015. Collection method: not provided. Allele origin: germline. Inheritance: Autosomal recessive inheritance. Affected: yes.

OMIM
Classification: risk factor for HYPERTENSION, ESSENTIAL, SUSCEPTIBILITY TO. Last evaluated: 2007-08-01. Review status: no assertion criteria provided. Collection method: literature only. Allele origin: germline. Not counted in ClinVar's aggregate classification.

Literature cited by the submitters: PubMed 8021009 (cited by OMIM); PubMed 9084931 (cited by OMIM); PubMed 15042429 (cited by OMIM); PubMed 17668390 (cited by OMIM).

NM_000685.5(AGTR1):c.*86A>C

Gene: AGTR1 (angiotensin II receptor type 1; plus strand). Cytogenetic location: 3q24.
Variant type: single nucleotide variant.
Coding change: c.*86A>C on transcript NM_000685.5 (MANE Select); 86 bases downstream of the stop codon, A replaced by C.
Molecular consequence: 3 prime UTR variant.
Genome position (GRCh38, 1-based): chr3:148,742,201, A>C. VCF-style: chr3-148742201-A-C. GRCh37 (hg19) VCF-style: chr3-148459988-A-C.
Other names: A1166C; c.*86A>C (NM_001382736.1, NM_001382737.1, NM_004835.5 and 3 more transcripts).
Identifiers: ClinVar variation 18065 (VCV000018065.11), dbSNP rs5186, ClinGen allele CA127780.